The following is an entry in ClinVar:

ClinVar aggregate classification (germline): Likely pathogenic (1 of 4 stars; one submission).

Conditions:
Congenital lactic acidosis, Saguenay-Lac-Saint-Jean type (MC4DN5). Also called: CYTOCHROME c OXIDASE DEFICIENCY, FRENCH CANADIAN TYPE; COX DEFICIENCY, FRENCH CANADIAN TYPE; MITOCHONDRIAL COMPLEX IV DEFICIENCY, NUCLEAR TYPE 5. Identifiers: Orphanet 70472, MedGen C1857355, MONDO:0009069, OMIM 220111.

Submission:

Baylor Genetics
Classification: Likely pathogenic for Congenital lactic acidosis, Saguenay-Lac-Saint-Jean type. Last evaluated: 2018-01-31. Review status: criteria provided, single submitter. Criteria: ACMG Guidelines, 2015. Collection method: clinical testing. Allele origin: paternal. Affected: yes.
Comment: This variant was determined to be likely pathogenic according to ACMG Guidelines, 2015 [PMID:25741868].

NM_133259.4(LRPPRC):c.1695C>G (p.Tyr565Ter)

Gene: LRPPRC (leucine rich pentatricopeptide repeat containing; minus strand). Cytogenetic location: 2p21.
Variant type: single nucleotide variant.
Coding change: c.1695C>G on transcript NM_133259.4 (MANE Select); coding-DNA position 1695, C replaced by G.
Protein change: p.Tyr565Ter; replaces tyrosine 565 with a stop codon.
Molecular consequence: nonsense.
Genome position (GRCh38, 1-based): chr2:43,949,642, G>C on the plus strand (C>G on the coding strand, the complement: LRPPRC is on the minus strand). VCF-style: chr2-43949642-G-C. GRCh37 (hg19) VCF-style: chr2-44176781-G-C.
Other names: short protein forms Y565*.
Identifiers: ClinVar variation 1032387 (VCV001032387.1), dbSNP rs1672822541, ClinGen allele CA346677573.